The following is an entry in ClinVar:

NM_000498.3(CYP11B2):c.517AAG[2] (p.Lys175del)

Genes: CYP11B2 (cytochrome P450 family 11 subfamily B member 2; minus strand), LOC106799834 (CYP11B2 recombination region; plus strand). Cytogenetic location: 8q24.3.
Variant type: Microsatellite.
Coding change: c.517AAG[2] on transcript NM_000498.3 (MANE Select); two copies in a row of the 3-base unit AAG starting at c.517; the reference has three copies in a row; one copy, 3 bases deleted; also written c.523_525del.
Protein change: p.Lys175del; deletes lysine 175.
Molecular consequence: inframe deletion.
Genome position (GRCh38, 1-based): chr8:142,915,116-142,915,118, CTT deleted on the plus strand (AAG on the coding strand, the reverse complement: CYP11B2 is on the minus strand); deleting any 3 consecutive bases within chr8:142,915,116-142,915,125 gives the same sequence; the position shown is the placement nearest the transcript's 3' end. VCF-style (leftmost placement, unchanged base first): chr8-142915115-CCTT-C. GRCh37 (hg19) VCF-style: chr8-143996531-CCTT-C.
Other names: c.523_525del (NM_000498.3); c.523_525delAAG (NM_000498.3); short protein forms K175del.
Identifiers: ClinVar variation 1494402 (VCV001494402.9), dbSNP rs746842822, ClinGen allele CA4906182.

ClinVar aggregate classification (germline): Pathogenic/Likely pathogenic. Review status: criteria provided, multiple submitters, no conflicts (2 of 4 stars). 4 submissions from 4 submitters: Pathogenic (1); Likely pathogenic (3). Last evaluated 2024-10-14.

Conditions:
Corticosterone methyl oxidase type II deficiency.
Corticosterone 18-monooxygenase deficiency. Also called: ALDOSTERONE DEFICIENCY DUE TO DEFECT IN STEROID 18-HYDROXYLASE; ALDOSTERONE DEFICIENCY I; CMO I DEFICIENCY; STEROID 18-HYDROXYLASE DEFICIENCY; 18 Hydroxylase deficiency; Aldosterone deficiency due to defect in 18 hydroxylase. Identifiers: Orphanet 427, MedGen C0268293, MONDO:0008751, OMIM 203400. Disease mechanism: loss of function.
Corticosterone methyloxidase type 2 deficiency. Also called: 18-OXIDASE DEFICIENCY; ALDOSTERONE DEFICIENCY DUE TO DEFICIENCY OF STEROID 18-OXIDASE; ALDOSTERONE DEFICIENCY II; CMO II DEFICIENCY; STEROID 18-OXIDASE DEFICIENCY. Identifiers: Orphanet 427, MedGen C3463917, MONDO:0012524, OMIM 610600. Disease mechanism: loss of function.

Submissions (4):

Natera, Inc.
Classification: Pathogenic for Corticosterone methyl oxidase type II deficiency. Last evaluated: 2024-10-14. Review status: criteria provided, single submitter. Criteria: Natera Variant Classification Schema (03/2026). Collection method: clinical testing. Allele origin: germline.
Comment: The c.523_525delAAG variant in CYP11B2 is an in-frame deletion predicted to remove lysine at amino acid 175 while preserving the reading frame. This variant is rare in the general population with a frequency below the threshold expected for the associated phenotype(s). This variant has been observed in one or more individuals affected with the associated recessive disease, as either homozygous or compound heterozygous with a second variant (PMID: 9838244, 12554142, 33098647). Additionally, this variant has been observed to segregate in affected family members (PMID: 33098647). Given the available evidence, this variant is classified as Pathogenic.

Labcorp Genetics (formerly Invitae), Labcorp
Classification: Likely pathogenic. Last evaluated: 2024-03-06. Review status: criteria provided, single submitter. Criteria: Invitae Variant Classification Sherloc (09022015). Collection method: clinical testing. Allele origin: germline.
Comment: This variant, c.523_525del, results in the deletion of 1 amino acid(s) of the CYP11B2 protein (p.Lys175del), but otherwise preserves the integrity of the reading frame. The frequency data for this variant in the population databases is considered unreliable, as metrics indicate poor data quality at this position in the gnomAD database. This variant has been observed in individuals with clinical features of aldosterone synthase deficiency (PMID: 9838244, 24694176, 33098647). This variant is also known as deletion of arginine-173 and/or K173del. ClinVar contains an entry for this variant (Variation ID: 1494402). Algorithms developed to predict the effect of variants on protein structure and function are not available or were not evaluated for this variant. Experimental studies have shown that this variant affects CYP11B2 function (PMID: 21237269). In summary, the currently available evidence indicates that the variant is pathogenic, but additional data are needed to prove that conclusively. Therefore, this variant has been classified as Likely Pathogenic.

Fulgent Genetics
Classification: Likely pathogenic for Corticosterone 18-monooxygenase deficiency; Corticosterone methyloxidase type 2 deficiency. Last evaluated: 2024-01-14. Review status: criteria provided, single submitter. Criteria: ACMG Guidelines, 2015. Collection method: clinical testing. Allele origin: germline.

3billion
Classification: Likely pathogenic for Corticosterone methyloxidase type 2 deficiency. Last evaluated: 2022-05-22. Review status: criteria provided, single submitter. Criteria: ACMG Guidelines, 2015. Collection method: clinical testing. Allele origin: germline. Affected: yes. Observed: 1 homozygote.
Comment: The variant is observed at an extremely low frequency in the gnomAD v2.1.1 dataset (total allele frequency: 0.004%). Inframe deletion located in a nonrepeat region: predicted to change the length of the protein and disrupt normal protein function. Functional studies provide moderate evidence of the variant having a damaging effect on the gene or gene product (PMID: 21237269). The variant has been reported to be in trans with a pathogenic variant as either compound heterozygous or homozygous in at least one similarly affected unrelated individual (PMID: 33098647). The variant has been reported to be associated with CYP11B2 related disorder (PMID: 9838244). Therefore, this variant is classified as likely pathogenic according to the recommendation of ACMG/AMP guideline.

Literature cited by the submitters: PubMed 9838244 (cited by 3 submitters); PubMed 12554142 (cited by Natera, Inc.); PubMed 33098647 (cited by 3 submitters); PubMed 24694176 (cited by Labcorp Genetics (formerly Invitae), Labcorp); PubMed 21237269 (cited by Labcorp Genetics (formerly Invitae), Labcorp and 3billion).